The following is an entry in ClinVar:

ClinVar aggregate classification (germline): Uncertain significance (1 of 4 stars; one submission).

Submission:

Labcorp Genetics (formerly Invitae), Labcorp
Classification: Uncertain significance. Last evaluated: 2025-04-14. Review status: criteria provided, single submitter. Criteria: Invitae Variant Classification Sherloc (09022015). Collection method: clinical testing. Allele origin: germline.
Comment: This sequence change replaces methionine, which is neutral and non-polar, with threonine, which is neutral and polar, at codon 158 of the SUCLG2 protein (p.Met158Thr). This variant is not present in population databases (gnomAD no frequency). This variant has not been reported in the literature in individuals affected with SUCLG2-related conditions. An algorithm developed to predict the effect of missense changes on protein structure and function (PolyPhen-2) suggests that this variant is likely to be disruptive. In summary, the available evidence is currently insufficient to determine the role of this variant in disease. Therefore, it has been classified as a Variant of Uncertain Significance.

NM_003848.4(SUCLG2):c.473T>C (p.Met158Thr)

Gene: SUCLG2 (succinate-CoA ligase GDP-forming subunit beta; minus strand). Cytogenetic location: 3p14.1.
Variant type: single nucleotide variant.
Coding change: c.473T>C on transcript NM_003848.4 (MANE Select); coding-DNA position 473, T replaced by C.
Protein change: p.Met158Thr; replaces methionine 158 with threonine.
Molecular consequence: missense variant.
Genome position (GRCh38, 1-based): chr3:67,520,579, A>G on the plus strand (T>C on the coding strand, the complement: SUCLG2 is on the minus strand). VCF-style: chr3-67520579-A-G. GRCh37 (hg19) VCF-style: chr3-67571003-A-G.
Other names: c.473T>C, p.Met158Thr (NM_001177599.2); short protein forms M158T.
Identifiers: ClinVar variation 4717430 (VCV004717430.1).